The following is an entry in ClinVar:

ClinVar aggregate classification (germline): Uncertain significance. Review status: criteria provided, multiple submitters, no conflicts (2 of 4 stars). 2 submissions from 2 submitters: Uncertain significance (2). Last evaluated 2024-09-20.

Allele frequency attached by ClinVar (database versions not stated): gnomAD exomes below 0.00001.

Submissions (2):

Labcorp Genetics (formerly Invitae), Labcorp
Classification: Uncertain significance. Last evaluated: 2024-09-20. Review status: criteria provided, single submitter. Criteria: Invitae Variant Classification Sherloc (09022015). Collection method: clinical testing. Allele origin: germline.
Comment: This sequence change replaces histidine, which is basic and polar, with tyrosine, which is neutral and polar, at codon 209 of the LHCGR protein (p.His209Tyr). This variant is not present in population databases (gnomAD no frequency). This variant has not been reported in the literature in individuals affected with LHCGR-related conditions. ClinVar contains an entry for this variant (Variation ID: 2650899). Invitae Evidence Modeling of protein sequence and biophysical properties (such as structural, functional, and spatial information, amino acid conservation, physicochemical variation, residue mobility, and thermodynamic stability) indicates that this missense variant is not expected to disrupt LHCGR protein function with a negative predictive value of 80%. In summary, the available evidence is currently insufficient to determine the role of this variant in disease. Therefore, it has been classified as a Variant of Uncertain Significance.

CeGaT Center for Human Genetics Tuebingen
Classification: Uncertain significance. Last evaluated: 2022-11-01. Review status: criteria provided, single submitter. Criteria: CeGaT Center For Human Genetics Tuebingen Variant Classification Criteria Version 2. Collection method: clinical testing. Allele origin: germline. Affected: yes. Observed: 1 variant allele.
Comment: LHCGR: PM2, BP4

NM_000233.4(LHCGR):c.625C>T (p.His209Tyr)

Genes: STON1-GTF2A1L (STON1-GTF2A1L readthrough; plus strand), LHCGR (luteinizing hormone/choriogonadotropin receptor; minus strand). Cytogenetic location: 2p16.3.
Variant type: single nucleotide variant.
Coding change: c.625C>T on transcript NM_000233.4 (MANE Select); coding-DNA position 625, C replaced by T.
Protein change: p.His209Tyr; replaces histidine 209 with tyrosine.
Molecular consequence: missense variant. On other transcripts: intron variant (1).
Genome position (GRCh38, 1-based): chr2:48,709,003, G>A on the plus strand (C>T on the coding strand, the complement: LHCGR is on the minus strand). VCF-style: chr2-48709003-G-A. GRCh37 (hg19) VCF-style: chr2-48936142-G-A.
Other names: c.3441+37323G>A (NM_001198593.2); short protein forms H209Y.
Identifiers: ClinVar variation 2650899 (VCV002650899.26), dbSNP rs1667845766, ClinGen allele CA346756277.